The following is an entry in ClinVar:

NM_001282597.3(CTNNA2):c.2198G>T (p.Gly733Val)

Gene: CTNNA2 (catenin alpha 2; plus strand). Cytogenetic location: 2p12.
Variant type: single nucleotide variant.
Coding change: c.2198G>T on transcript NM_001282597.3 (MANE Select); coding-DNA position 2198, G replaced by T.
Protein change: p.Gly733Val; replaces glycine 733 with valine.
Molecular consequence: missense variant.
Genome position (GRCh38, 1-based): chr2:80,604,082, G>T. VCF-style: chr2-80604082-G-T. GRCh37 (hg19) VCF-style: chr2-80831207-G-T.
Other names: c.2198G>T, p.Gly733Val (NM_001164883.2, NM_001399737.1, NM_004389.4); c.2300G>T, p.Gly767Val (NM_001282598.2); c.1235G>T, p.Gly412Val (NM_001282599.2); c.1094G>T, p.Gly365Val (NM_001282600.2, NM_001320810.2); short protein forms G365V, G412V, G733V, G767V.
Identifiers: ClinVar variation 3342948 (VCV003342948.1).

ClinVar aggregate classification (germline): Uncertain significance (1 of 4 stars; one submission).

Submission:

GeneDx
Classification: Uncertain significance. Last evaluated: 2023-04-05. Review status: criteria provided, single submitter. Criteria: GeneDx Variant Classification Process June 2021. Collection method: clinical testing. Allele origin: germline. Affected: yes.
Comment: Not observed at significant frequency in large population cohorts (gnomAD); In silico analysis supports that this missense variant has a deleterious effect on protein structure/function; Has not been previously published as pathogenic or benign to our knowledge